The following is an entry in ClinVar:

NM_001283009.2(RTEL1):c.2566T>C (p.Cys856Arg)

Genes: RTEL1 (regulator of telomere elongation helicase 1; plus strand), RTEL1-TNFRSF6B (RTEL1-TNFRSF6B readthrough (NMD candidate); plus strand). Cytogenetic location: 20q13.33.
Variant type: single nucleotide variant.
Coding change: c.2566T>C on transcript NM_001283009.2 (MANE Select); coding-DNA position 2566, T replaced by C.
Protein change: p.Cys856Arg; replaces cysteine 856 with arginine.
Molecular consequence: missense variant. On other transcripts: non-coding transcript variant (1).
Genome position (GRCh38, 1-based): chr20:63,691,751, T>C. VCF-style: chr20-63691751-T-C. GRCh37 (hg19) VCF-style: chr20-62323104-T-C.
Other names: c.1897T>C, p.Cys633Arg (NM_001283010.1); c.2566T>C, p.Cys856Arg (NM_016434.4); c.2638T>C, p.Cys880Arg (NM_032957.5); short protein forms C856R, C633R, C880R.
Identifiers: ClinVar variation 4629641 (VCV004629641.1).
Genomic context (GRCh38, chr20:63,691,751, plus strand): 5'-CAGAGTGTGTGGTTGGGGTCTGTGTGTGGTTGTGAGCTGTGTCCTCCTCAGGCCCACAGC[T>C]GCTCCACCCTGTCCCTCCTGTCTGAGAAGAGGCCGGCAGAAGAACCGCGAGGAGGGAGGA-3'
Protein context (NP_001269938.1, residues 846-866): GSPGEEQAHS[Cys856Arg]STLSLLSEKR

ClinVar aggregate classification (germline): Uncertain significance (1 of 4 stars; one submission).

Conditions:
Inborn genetic diseases. Identifiers: MedGen C0950123, MeSH D030342.

Submission:

Ambry Genetics
Classification: Uncertain significance for Inborn genetic diseases. Last evaluated: 2025-12-07. Review status: criteria provided, single submitter. Criteria: Ambry Variant Classification Scheme 2023. Collection method: clinical testing. Allele origin: germline.
Comment: The p.C856R variant (also known as c.2566T>C), located in coding exon 27 of the RTEL1 gene, results from a T to C substitution at nucleotide position 2566. The cysteine at codon 856 is replaced by arginine, an amino acid with highly dissimilar properties. This amino acid position is conserved. In addition, this alteration is predicted to be tolerated by in silico analysis. Based on the available evidence, the clinical significance of this variant remains unclear.